The following is an entry in ClinVar:

ClinVar aggregate classification (germline): Uncertain significance. Review status: criteria provided, multiple submitters, no conflicts (2 of 4 stars). 2 submissions from 2 submitters: Uncertain significance (2). Last evaluated 2025-08-06.

Conditions:
Inborn genetic diseases. Identifiers: MedGen C0950123, MeSH D030342.

Allele frequency attached by ClinVar (database versions not stated): gnomAD exomes below 0.00001 and 0.00005; ExAC 0.00001; gnomAD 0.00001; TOPMed 0.00001.
gnomAD v4.1: 76 of 1,614,068 alleles (0.0047%); highest among the groups gnomAD compares: Non-Finnish European, 0.0064%; no homozygotes.

Submissions (2):

Ambry Genetics
Classification: Uncertain significance for Inborn genetic diseases. Last evaluated: 2025-08-06. Review status: criteria provided, single submitter. Criteria: Ambry Variant Classification Scheme 2023. Collection method: clinical testing. Allele origin: germline.

GeneDx
Classification: Uncertain significance. Last evaluated: 2020-02-12. Review status: criteria provided, single submitter. Criteria: GeneDx Variant Classification Process June 2021. Collection method: clinical testing. Allele origin: germline. Affected: yes.
Comment: In silico analysis supports that this missense variant does not alter protein structure/function; Has not been previously published as pathogenic or benign to our knowledge

NM_005422.4(TECTA):c.1351G>A (p.Gly451Ser)

Genes: TBCEL-TECTA (TBCEL-TECTA readthrough; plus strand), TECTA (tectorin alpha; plus strand). Cytogenetic location: 11q23.3.
Variant type: single nucleotide variant.
Coding change: c.1351G>A on transcript NM_005422.4 (MANE Select); coding-DNA position 1351, G replaced by A.
Protein change: p.Gly451Ser; replaces glycine 451 with serine.
Molecular consequence: missense variant.
Genome position (GRCh38, 1-based): chr11:121,125,449, G>A. VCF-style: chr11-121125449-G-A. GRCh37 (hg19) VCF-style: chr11-120996158-G-A.
Other names: c.2308G>A, p.Gly770Ser (NM_001378761.1); short protein forms G451S, G770S.
Identifiers: ClinVar variation 1315448 (VCV001315448.3), dbSNP rs150823097, ClinGen allele CA6326733.